The following is an entry in ClinVar:

NM_001232.4(CASQ2):c.943G>A (p.Val315Ile)

Gene: CASQ2 (calsequestrin 2; minus strand). Cytogenetic location: 1p13.1.
Variant type: single nucleotide variant.
Coding change: c.943G>A on transcript NM_001232.4 (MANE Select); coding-DNA position 943, G replaced by A.
Protein change: p.Val315Ile; replaces valine 315 with isoleucine.
Molecular consequence: missense variant.
Genome position (GRCh38, 1-based): chr1:115,702,992, C>T on the plus strand (G>A on the coding strand, the complement: CASQ2 is on the minus strand). VCF-style: chr1-115702992-C-T. GRCh37 (hg19) VCF-style: chr1-116245613-C-T.
Other names: short protein forms V315I.
Identifiers: ClinVar variation 292128 (VCV000292128.57), dbSNP rs771188512, ClinGen allele CA1023667.
Genomic context (GRCh38, chr1:115,702,992, plus strand): 5'-TCACCACCCCAATCTGTGGCCTGAATAGGTCAATCTTGAAAGTCTTCTCCCAGTAGGCAA[C>T]GAGCTGCAGCAACAAAAAAATAAGATTAGACAGCAGGCAGAGGGCATTCTCTGTTAAGGA-3'
Protein context (NP_001223.2, residues 305-325): WIDPDDFPLL[Val315Ile]AYWEKTFKID

ClinVar aggregate classification (germline): Conflicting classifications of pathogenicity. Review status: criteria provided, conflicting classifications (1 of 4 stars). 6 submissions from 6 submitters: Uncertain significance (5); Likely benign (1). Last evaluated 2026-01-25.

Conditions:
Cardiovascular phenotype. Identifiers: MedGen CN230736.
Catecholaminergic polymorphic ventricular tachycardia 2. Also called: CASQ2-Related Catecholaminergic Polymorphic Ventricular Tachycardia; VENTRICULAR TACHYCARDIA, STRESS-INDUCED POLYMORPHIC 2. Identifiers: Orphanet 3286, MedGen C2677794, MONDO:0012762, OMIM 611938.
Catecholaminergic polymorphic ventricular tachycardia 1. Also called: RYR2-Related Catecholaminergic Polymorphic Ventricular Tachycardia; VENTRICULAR TACHYCARDIA, CATECHOLAMINERGIC POLYMORPHIC, 1, WITH OR WITHOUT ATRIAL DYSFUNCTION AND/OR DILATED CARDIOMYOPATHY; VENTRICULAR TACHYCARDIA, STRESS-INDUCED POLYMORPHIC 1. Identifiers: Orphanet 3286, MedGen C1631597, MONDO:0011484, OMIM 604772.

Allele frequency attached by ClinVar (database versions not stated): gnomAD 0.00003; TOPMed 0.00003; gnomAD exomes 0.00004; ExAC 0.00005.

Submissions (6):

Labcorp Genetics (formerly Invitae), Labcorp
Classification: Uncertain significance for Catecholaminergic polymorphic ventricular tachycardia 1. Last evaluated: 2026-01-25. Review status: criteria provided, single submitter. Criteria: Invitae Variant Classification Sherloc (09022015). Collection method: clinical testing. Allele origin: germline.
Comment: This sequence change replaces valine, which is neutral and non-polar, with isoleucine, which is neutral and non-polar, at codon 315 of the CASQ2 protein (p.Val315Ile). This variant is present in population databases (rs771188512, gnomAD 0.007%). This variant has not been reported in the literature in individuals affected with CASQ2-related conditions. ClinVar contains an entry for this variant (Variation ID: 292128). Invitae Evidence Modeling of protein sequence and biophysical properties (such as structural, functional, and spatial information, amino acid conservation, physicochemical variation, residue mobility, and thermodynamic stability) indicates that this missense variant is not expected to disrupt CASQ2 protein function with a negative predictive value of 95%. In summary, the available evidence is currently insufficient to determine the role of this variant in disease. Therefore, it has been classified as a Variant of Uncertain Significance.

Ambry Genetics
Classification: Likely benign for Cardiovascular phenotype. Last evaluated: 2025-09-26. Review status: criteria provided, single submitter. Criteria: Ambry Variant Classification Scheme 2023. Collection method: clinical testing. Allele origin: germline.

Genome-Nilou Lab
Classification: Uncertain significance for Catecholaminergic polymorphic ventricular tachycardia 2. Last evaluated: 2023-04-11. Review status: criteria provided, single submitter. Criteria: ACMG Guidelines, 2015. Collection method: clinical testing. Allele origin: germline. Affected: no.

Fulgent Genetics
Classification: Uncertain significance for Catecholaminergic polymorphic ventricular tachycardia 1; Catecholaminergic polymorphic ventricular tachycardia 2. Last evaluated: 2021-09-21. Review status: criteria provided, single submitter. Criteria: ACMG Guidelines, 2015. Collection method: clinical testing. Allele origin: unknown.

CeGaT Center for Human Genetics Tuebingen
Classification: Uncertain significance. Last evaluated: 2019-03-01. Review status: criteria provided, single submitter. Criteria: CeGaT Center For Human Genetics Tuebingen Variant Classification Criteria Version 2. Collection method: clinical testing. Allele origin: germline. Affected: yes. Observed: 1 variant allele.

Illumina Laboratory Services, Illumina
Classification: Uncertain significance for Catecholaminergic polymorphic ventricular tachycardia 2. Last evaluated: 2018-01-13. Review status: criteria provided, single submitter. Criteria: ICSL Variant Classification Criteria 13 December 2019. Collection method: clinical testing. Allele origin: germline.